The following is an entry in ClinVar:

NM_005334.3(HCFC1):c.5615G>A (p.Cys1872Tyr)

Gene: HCFC1 (host cell factor C1; minus strand). Cytogenetic location: Xq28.
Variant type: single nucleotide variant.
Coding change: c.5615G>A on transcript NM_005334.3 (MANE Select); coding-DNA position 5615, G replaced by A.
Protein change: p.Cys1872Tyr; replaces cysteine 1872 with tyrosine.
Molecular consequence: missense variant.
Genome position (GRCh38, 1-based): chrX:153,950,901, C>T on the plus strand (G>A on the coding strand, the complement: HCFC1 is on the minus strand). VCF-style: chrX-153950901-C-T. GRCh37 (hg19) VCF-style: chrX-153216352-C-T.
Other names: c.5750G>A, p.Cys1917Tyr (NM_001410705.1); short protein forms C1872Y, C1917Y.
Identifiers: ClinVar variation 3372199 (VCV003372199.2).

ClinVar aggregate classification (germline): Uncertain significance (1 of 4 stars; one submission).

Submission:

GeneDx
Classification: Uncertain significance. Last evaluated: 2025-02-21. Review status: criteria provided, single submitter. Criteria: GeneDx Variant Classification Process June 2021. Collection method: clinical testing. Allele origin: germline. Affected: yes.
Comment: Not observed at significant frequency in large population cohorts (gnomAD); In silico analysis supports that this missense variant has a deleterious effect on protein structure/function; Has not been previously published as pathogenic or benign to our knowledge